The following is an entry in ClinVar:

NM_000093.5(COL5A1):c.2335C>T (p.Pro779Ser)

Gene: COL5A1 (collagen type V alpha 1 chain; plus strand). Cytogenetic location: 9q34.3.
Variant type: single nucleotide variant.
Coding change: c.2335C>T on transcript NM_000093.5 (MANE Select); coding-DNA position 2335, C replaced by T.
Protein change: p.Pro779Ser; replaces proline 779 with serine.
Molecular consequence: missense variant.
Genome position (GRCh38, 1-based): chr9:134,774,862, C>T. VCF-style: chr9-134774862-C-T. GRCh37 (hg19) VCF-style: chr9-137666708-C-T.
Other names: c.2335C>T (NM_000093.3); c.2335C>T, p.Pro779Ser (NM_001278074.1); short protein forms P779S.
Identifiers: ClinVar variation 2631806 (VCV002631806.2), dbSNP rs1452050575, ClinGen allele CA375451836.

ClinVar aggregate classification (germline): Uncertain significance. Review status: criteria provided, multiple submitters, no conflicts (2 of 4 stars). 2 submissions from 2 submitters: Uncertain significance (2). Last evaluated 2026-09-13.

Conditions:
Familial thoracic aortic aneurysm and aortic dissection (TAAD). Also called: Thoracic aortic aneurysms and dissections. Identifiers: Orphanet 91387, MedGen C4707243, MONDO:0019625.
COL5A1-related disorder. Also called: COL5A1-related condition.

Allele frequency attached by ClinVar (database versions not stated): gnomAD exomes below 0.00001; TOPMed 0.00001.
gnomAD v4.1: 1 of 1,613,740 alleles (0.000062%); highest among the groups gnomAD compares: African/African-American, 0.0013%; no homozygotes.

Submissions (2):

Ambry Genetics
Classification: Uncertain significance for Familial thoracic aortic aneurysm and aortic dissection. Last evaluated: 2026-09-13. Review status: criteria provided, single submitter. Criteria: Ambry Variant Classification Scheme 2023. Collection method: clinical testing. Allele origin: germline.
Comment: The p.P779S variant (also known as c.2335C>T), located in coding exon 27 of the COL5A1 gene, results from a C to T substitution at nucleotide position 2335. The proline at codon 779 is replaced by serine, an amino acid with similar properties. This amino acid position is conserved. In addition, the in silico prediction for this alteration is inconclusive. Based on the available evidence, the clinical significance of this variant remains unclear.

PreventionGenetics, part of Exact Sciences
Classification: Uncertain significance for COL5A1-related condition. Last evaluated: 2023-07-21. Review status: criteria provided, single submitter. Criteria: ACMG Guidelines, 2015. Collection method: clinical testing. Allele origin: germline.
Comment: The COL5A1 c.2335C>T variant is predicted to result in the amino acid substitution p.Pro779Ser. To our knowledge, this variant has not been reported in the literature. This variant is reported in 0.0062% of alleles in individuals of African descent in gnomAD. At this time, the clinical significance of this variant is uncertain due to the absence of conclusive functional and genetic evidence.